The following is an entry in ClinVar:

NM_001144967.3(NEDD4L):c.1711A>G (p.Ser571Gly)

Gene: NEDD4L (NEDD4 like E3 ubiquitin protein ligase; plus strand). Cytogenetic location: 18q21.31.
Variant type: single nucleotide variant.
Coding change: c.1711A>G on transcript NM_001144967.3 (MANE Select); coding-DNA position 1711, A replaced by G.
Protein change: p.Ser571Gly; replaces serine 571 with glycine.
Molecular consequence: missense variant.
Genome position (GRCh38, 1-based): chr18:58,357,196, A>G. VCF-style: chr18-58357196-A-G. GRCh37 (hg19) VCF-style: chr18-56024428-A-G.
Other names: c.1348A>G, p.Ser450Gly (NM_001144964.1, NM_001144965.2, NM_001144966.3); c.1687A>G, p.Ser563Gly (NM_001144968.2); c.1627A>G, p.Ser543Gly (NM_001144969.2); c.1288A>G, p.Ser430Gly (NM_001144970.3, NM_001144971.2); c.1519A>G, p.Ser507Gly (NM_001243960.2); c.2548A>G, p.Ser850Gly (NM_001437337.1); c.1651A>G, p.Ser551Gly (NM_015277.6); short protein forms S450G, S507G, S543G, S551G, S850G, S430G, S563G, S571G.
Identifiers: ClinVar variation 4719612 (VCV004719612.1).

ClinVar aggregate classification (germline): Uncertain significance (1 of 4 stars; one submission).

Submission:

Labcorp Genetics (formerly Invitae), Labcorp
Classification: Uncertain significance. Last evaluated: 2025-07-11. Review status: criteria provided, single submitter. Criteria: Invitae Variant Classification Sherloc (09022015). Collection method: clinical testing. Allele origin: germline.
Comment: This sequence change replaces serine, which is neutral and polar, with glycine, which is neutral and non-polar, at codon 551 of the NEDD4L protein (p.Ser551Gly). This variant is not present in population databases (gnomAD no frequency). This variant has not been reported in the literature in individuals affected with NEDD4L-related conditions. An algorithm developed to predict the effect of missense changes on protein structure and function (PolyPhen-2) suggests that this variant is likely to be tolerated. In summary, the available evidence is currently insufficient to determine the role of this variant in disease. Therefore, it has been classified as a Variant of Uncertain Significance.